The following is an entry in ClinVar:

NM_003238.6(TGFB2):c.643G>A (p.Asp215Asn)

Gene: TGFB2 (transforming growth factor beta 2; plus strand). Cytogenetic location: 1q41.
Variant type: single nucleotide variant.
Coding change: c.643G>A on transcript NM_003238.6 (MANE Select); coding-DNA position 643, G replaced by A.
Protein change: p.Asp215Asn; replaces aspartic acid 215 with asparagine.
Molecular consequence: missense variant. On other transcripts: non-coding transcript variant (2).
Genome position (GRCh38, 1-based): chr1:218,434,214, G>A. VCF-style: chr1-218434214-G-A. GRCh37 (hg19) VCF-style: chr1-218607556-G-A.
Other names: c.727G>A, p.Asp243Asn (NM_001135599.4); short protein forms D215N, D243N.
Identifiers: ClinVar variation 1003272 (VCV001003272.49), dbSNP rs1571901234, ClinGen allele CA344726707.

ClinVar aggregate classification (germline): Uncertain significance (1 of 4 stars; one submission).

Conditions:
Loeys-Dietz syndrome 4 (LDS4). Also called: ANEURYSM, AORTIC AND CEREBRAL, WITH ARTERIAL TORTUOSITY AND SKELETAL MANIFESTATIONS; TGFB2-Related Loeys-Dietz Syndrome. Identifiers: MedGen C3553762, MONDO:0013897, OMIM 614816.

Submission:

Labcorp Genetics (formerly Invitae), Labcorp
Classification: Uncertain significance for Loeys-Dietz syndrome 4. Last evaluated: 2024-10-03. Review status: criteria provided, single submitter. Criteria: Invitae Variant Classification Sherloc (09022015). Collection method: clinical testing. Allele origin: germline.
Comment: This sequence change replaces aspartic acid, which is acidic and polar, with asparagine, which is neutral and polar, at codon 215 of the TGFB2 protein (p.Asp215Asn). This variant also falls at the last nucleotide of exon 3, which is part of the consensus splice site for this exon. This variant is not present in population databases (gnomAD no frequency). This variant has not been reported in the literature in individuals affected with TGFB2-related conditions. ClinVar contains an entry for this variant (Variation ID: 1003272). An algorithm developed to predict the effect of missense changes on protein structure and function (PolyPhen-2) suggests that this variant is likely to be tolerated. Variants that disrupt the consensus splice site are a relatively common cause of aberrant splicing (PMID: 17576681, 9536098). Algorithms developed to predict the effect of sequence changes on RNA splicing suggest that this variant may disrupt the consensus splice site. In summary, the available evidence is currently insufficient to determine the role of this variant in disease. Therefore, it has been classified as a Variant of Uncertain Significance.

Literature cited by the submitters: PubMed 17576681; PubMed 9536098.